The following is an entry in ClinVar:

ClinVar aggregate classification (germline): Uncertain significance (1 of 4 stars; one submission).

Allele frequency attached by ClinVar (database versions not stated): gnomAD exomes below 0.00001; TOPMed below 0.00001.
gnomAD v4.1: 3 of 1,614,226 alleles (0.00019%); highest among the groups gnomAD compares: Non-Finnish European, 0.00025%; no homozygotes.

Submission:

GeneDx
Classification: Uncertain significance. Last evaluated: 2022-06-16. Review status: criteria provided, single submitter. Criteria: GeneDx Variant Classification Process June 2021. Collection method: clinical testing. Allele origin: germline. Affected: yes.
Comment: Not observed at significant frequency in large population cohorts (gnomAD); In silico analysis supports that this missense variant has a deleterious effect on protein structure/function; Has not been previously published as pathogenic or benign to our knowledge

NM_020988.3(GNAO1):c.358T>G (p.Phe120Val)

Gene: GNAO1 (G protein subunit alpha o1; plus strand). Cytogenetic location: 16q13.
Variant type: single nucleotide variant.
Coding change: c.358T>G on transcript NM_020988.3 (MANE Select); coding-DNA position 358, T replaced by G.
Protein change: p.Phe120Val; replaces phenylalanine 120 with valine.
Molecular consequence: missense variant.
Genome position (GRCh38, 1-based): chr16:56,328,685, T>G. VCF-style: chr16-56328685-T-G. GRCh37 (hg19) VCF-style: chr16-56362597-T-G.
Other names: c.358T>G, p.Phe120Val (NM_138736.3); short protein forms F120V.
Identifiers: ClinVar variation 1806538 (VCV001806538.1), dbSNP rs2037659527, ClinGen allele CA395949995.